The following is an entry in ClinVar:

ClinVar aggregate classification (germline): Likely benign. Review status: criteria provided, multiple submitters, no conflicts (2 of 4 stars). 4 submissions from 4 submitters: Likely benign (3). 1 of the submissions does not count toward it. Last evaluated 2026-01-27.

Conditions:
KCNE1-related disorder. Also called: KCNE1-related condition.
Cardiovascular phenotype. Identifiers: MedGen CN230736.
Long QT syndrome (LQTS). Identifiers: MedGen C0023976, MeSH D008133, MONDO:0002442. Disease mechanism: loss of function. Inheritance: Various modes of inheritance.

Allele frequency attached by ClinVar (database versions not stated): gnomAD exomes 0.00003 and 0.00005; ExAC 0.00007; ESP Exome Variant Server 0.00008; gnomAD 0.00009; TOPMed 0.00010.
gnomAD v4.1: 90 of 1,598,034 alleles (0.0056%); highest among the groups gnomAD compares: African/African-American, 0.019%; 1 homozygote.

Submissions (5):

Labcorp Genetics (formerly Invitae), Labcorp
Classification: Likely benign for Long QT syndrome. Last evaluated: 2026-01-27. Review status: criteria provided, single submitter. Criteria: Invitae Variant Classification Sherloc (09022015). Collection method: clinical testing. Allele origin: germline.

Ambry Genetics
Classification: Likely benign for Cardiovascular phenotype. Last evaluated: 2019-08-29. Review status: criteria provided, single submitter. Criteria: Ambry Variant Classification Scheme 2023. Collection method: clinical testing. Allele origin: germline.

GeneDx
Classification: Likely benign. Last evaluated: 2018-04-30. Review status: criteria provided, single submitter. Criteria: GeneDx Variant Classification Process June 2021. Collection method: clinical testing. Allele origin: germline. Affected: yes.
Comment: This variant is associated with the following publications: (PMID: 24710009, 18752142)

PreventionGenetics, part of Exact Sciences
Classification: Likely benign for KCNE1-related condition. Last evaluated: 2019-04-25. Review status: no assertion criteria provided. Collection method: clinical testing. Allele origin: germline. Not counted in ClinVar's aggregate classification.
Comment: This variant is classified as likely benign based on ACMG/AMP sequence variant interpretation guidelines (Richards et al. 2015 PMID: 25741868, with internal and published modifications).

Roden Lab, Vanderbilt University Medical Center
No classification provided (evidence only). Condition: Long QT syndrome 5. Review status: no classification provided. Collection method: in vitro. Allele origin: not applicable. Functional consequence: Effect on ion channel function. Not counted in ClinVar's aggregate classification.
ClinVar note: "not provided" was previously submitted as the classification for the variant. However, the classification appeared to be based only on an observation of functional data so it was converted to no classification on 2025-07-30.

NM_000219.6(KCNE1):c.225C>T (p.Asn75=)

Gene: KCNE1 (potassium voltage-gated channel subfamily E regulatory subunit 1; minus strand). Cytogenetic location: 21q22.12.
Variant type: single nucleotide variant.
Coding change: c.225C>T on transcript NM_000219.6 (MANE Select); coding-DNA position 225, C replaced by T.
Protein change: p.Asn75=; no amino-acid change (asparagine 75 retained).
Molecular consequence: synonymous variant.
Genome position (GRCh38, 1-based): chr21:34,449,410, G>A on the plus strand (C>T on the coding strand, the complement: KCNE1 is on the minus strand). VCF-style: chr21-34449410-G-A. GRCh37 (hg19) VCF-style: chr21-35821708-G-A.
Other names: c.225C>T, p.Asn75= (NM_001127668.4, NM_001127669.4, NM_001127670.4 and 4 more transcripts).
Identifiers: ClinVar variation 377998 (VCV000377998.21), dbSNP rs79175878, ClinGen allele CA16608534.